The following is an entry in ClinVar:

NM_000507.4(FBP1):c.170+761C>G

Gene: FBP1 (fructose-bisphosphatase 1; minus strand). Cytogenetic location: 9q22.32.
Variant type: single nucleotide variant.
Coding change: c.170+761C>G on transcript NM_000507.4 (MANE Select); 761 bases into the intron after coding-DNA position 170, C replaced by G.
Molecular consequence: intron variant.
Genome position (GRCh38, 1-based): chr9:94,638,380, G>C on the plus strand (C>G on the coding strand, the complement: FBP1 is on the minus strand). VCF-style: chr9-94638380-G-C. GRCh37 (hg19) VCF-style: chr9-97400662-G-C.
Other names: c.170+761C>G (NM_001127628.2).
Identifiers: ClinVar variation 2659319 (VCV002659319.24), dbSNP rs28382865, ClinGen allele CA196571390.

ClinVar aggregate classification (germline): Likely benign (1 of 4 stars; one submission).

Allele frequency attached by ClinVar (database versions not stated): 1000 Genomes Project 0.00240; 1000 Genomes Project 30x 0.00250; TOPMed 0.00621.
gnomAD v4.1: 949 of 152,306 alleles (0.62%); highest among the groups gnomAD compares: Middle Eastern, 3.1%; 3 homozygotes.

Submission:

CeGaT Center for Human Genetics Tuebingen
Classification: Likely benign. Last evaluated: 2026-09-01. Review status: criteria provided, single submitter. Criteria: CeGaT Center For Human Genetics Tuebingen Variant Classification Criteria Version 2. Collection method: clinical testing. Allele origin: germline. Affected: yes. Observed: 8 variant alleles.
Comment: FBP1: BS1